The following is an entry in ClinVar:

ClinVar aggregate classification (germline): Uncertain significance (1 of 4 stars; one submission).

gnomAD v4.1: 1 of 1,614,002 alleles (0.000062%); no homozygotes.

Submission:

Ambry Genetics
Classification: Uncertain significance. Last evaluated: 2026-04-28. Review status: criteria provided, single submitter. Criteria: Ambry Variant Classification Scheme 2023. Collection method: clinical testing. Allele origin: germline.
Comment: The p.H169L variant (also known as c.506A>T), located in coding exon 1 of the TET2 gene, results from an A to T substitution at nucleotide position 506. The histidine at codon 169 is replaced by leucine, an amino acid with similar properties. This amino acid position is conserved. In addition, this alteration is predicted to be tolerated by in silico analysis. Based on the available evidence, the clinical significance of this variant remains unclear.

NM_001127208.3(TET2):c.506A>T (p.His169Leu)

Genes: TET2 (tet methylcytosine dioxygenase 2; plus strand), TET2-AS1 (TET2 antisense RNA 1; minus strand). Cytogenetic location: 4q24.
Variant type: single nucleotide variant.
Coding change: c.506A>T on transcript NM_001127208.3 (MANE Select); coding-DNA position 506, A replaced by T.
Protein change: p.His169Leu; replaces histidine 169 with leucine.
Molecular consequence: missense variant.
Genome position (GRCh38, 1-based): chr4:105,234,448, A>T. VCF-style: chr4-105234448-A-T. GRCh37 (hg19) VCF-style: chr4-106155605-A-T.
Other names: c.506A>T, p.His169Leu (NM_017628.4); short protein forms H169L.
Identifiers: ClinVar variation 4865561 (VCV004865561.1).
Genomic context (GRCh38, chr4:105,234,448, plus strand): 5'-AATCTGTGAGTTCTGTAGCCCAAGAAAATGCAGTTAAAGATTTCACCAGTTTTTCAACAC[A>T]TAACTGCAGTGGGCCTGAAAATCCAGAGCTTCAGATTCTGAATGAGCAGGAGGGGAAAAG-3'
Protein context (NP_001120680.1, residues 159-179): AVKDFTSFST[His169Leu]NCSGPENPEL